The following is an entry in ClinVar:

ClinVar aggregate classification (germline): Uncertain significance (1 of 4 stars; one submission).

Conditions:
Primary ciliary dyskinesia 33. Also called: CILIARY DYSKINESIA, PRIMARY, 33, WITHOUT SITUS INVERSUS. Identifiers: Orphanet 244, MedGen C4225230, MONDO:0014750, OMIM 616726.

Submission:

Labcorp Genetics (formerly Invitae), Labcorp
Classification: Uncertain significance for Primary ciliary dyskinesia 33. Last evaluated: 2019-03-22. Review status: criteria provided, single submitter. Criteria: Invitae Variant Classification Sherloc (09022015). Collection method: clinical testing. Allele origin: germline.
Comment: This variant results in a copy number gain of the genomic region encompassing exons 5 to 11 of the GAS8 gene. The 5' boundary is likely confined to intron 4. The 3' end of this event is unknown as it extends beyond the assayed region for this gene and therefore may encompass additional genes. As the precise location of this event is unknown, it may be in tandem or it may be located elsewhere in the genome. This variant has not been reported in the literature in individuals with GAS8-related conditions. Experimental studies and prediction algorithms are not available for this variant, and the functional significance of the affected amino acid(s) is currently unknown. In summary, the available evidence is currently insufficient to determine the role of this variant in disease. Therefore, it has been classified as a Variant of Uncertain Significance.

NC_000016.10:g.(?_90035613)_(90043365_?)dup

Gene: GAS8 (growth arrest specific 8; plus strand). Cytogenetic location: 16q24.3.
Variant type: Duplication.
Identifiers: ClinVar variation 831844 (VCV000831844.2).